The following is an entry in ClinVar:

NM_005366.5(MAGEA11):c.456C>T (p.Ser152=)

Gene: MAGEA11 (MAGE family member A11; plus strand). Cytogenetic location: Xq28.
Variant type: single nucleotide variant.
Coding change: c.456C>T on transcript NM_005366.5 (MANE Select); coding-DNA position 456, C replaced by T.
Protein change: p.Ser152=; no amino-acid change (serine 152 retained).
Molecular consequence: synonymous variant.
Genome position (GRCh38, 1-based): chrX:149,715,942, C>T. VCF-style: chrX-149715942-C-T. GRCh37 (hg19) VCF-style: chrX-148797602-C-T.
Other names: c.369C>T, p.Ser123= (NM_001011544.2).
Identifiers: ClinVar variation 2661620 (VCV002661620.24), dbSNP rs782735516, ClinGen allele CA10538165.

ClinVar aggregate classification (germline): Likely benign (1 of 4 stars; one submission).

Allele frequency attached by ClinVar (database versions not stated): ExAC 0.00001; gnomAD 0.00001; TOPMed 0.00001; gnomAD exomes 0.00002.
gnomAD v4.1: 18 of 1,209,615 alleles (0.0015%); highest among the groups gnomAD compares: Non-Finnish European, 0.002%; no homozygotes.

Submission:

CeGaT Center for Human Genetics Tuebingen
Classification: Likely benign. Last evaluated: 2022-04-01. Review status: criteria provided, single submitter. Criteria: CeGaT Center For Human Genetics Tuebingen Variant Classification Criteria Version 2. Collection method: clinical testing. Allele origin: germline. Affected: yes. Observed: 1 variant allele.
Comment: MAGEA11: BP4, BP7